The following is an entry in ClinVar:

Conditions:
Breast-ovarian cancer, familial, susceptibility to, 1 (BROVCA1). Also called: BRCA1 Hereditary Breast and Ovarian Cancer; OVARIAN CANCER, SUSCEPTIBILITY TO. Identifiers: Orphanet 145, MedGen C2676676, MONDO:0011450, OMIM 604370. Disease mechanism: loss of function.

Submission:

Brotman Baty Institute, University of Washington
No classification provided (evidence only). Condition: Breast-ovarian cancer, familial 1. Review status: no classification provided. Collection method: in vitro. Allele origin: not applicable. Functional consequence: functionally_normal.
ClinVar note: "not provided" was previously submitted as the classification for the variant. However, the classification appeared to be based only on an observation of functional data so it was converted to no classification on 2025-07-30.

NM_007294.4(BRCA1):c.5479A>C (p.Met1827Leu)

Gene: BRCA1 (BRCA1 DNA repair associated; minus strand). Cytogenetic location: 17q21.31.
Variant type: single nucleotide variant.
Coding change: c.5479A>C on transcript NM_007294.4 (MANE Select); coding-DNA position 5479, A replaced by C.
Protein change: p.Met1827Leu; replaces methionine 1827 with leucine.
Molecular consequence: missense variant. On other transcripts: non-coding transcript variant (1).
Genome position (GRCh38, 1-based): chr17:43,045,791, T>G on the plus strand (A>C on the coding strand, the complement: BRCA1 is on the minus strand). VCF-style: chr17-43045791-T-G. GRCh37 (hg19) VCF-style: chr17-41197808-T-G.
Other names: c.5215A>C, p.Met1739Leu (NM_001407924.1, NM_001407925.1, NM_001407926.1 and 4 more transcripts); c.5212A>C, p.Met1738Leu (NM_001407927.1, NM_001407928.1, NM_001407929.1 and 4 more transcripts); c.5266A>C, p.Met1756Leu (NM_001407571.1, NM_001407894.1, NM_001407895.1 and 12 more transcripts); c.5545A>C, p.Met1849Leu (NM_001407581.1, NM_001407582.1); c.5542A>C, p.Met1848Leu (NM_001407583.1, NM_001407585.1, NM_001407587.1 and 1 more transcripts); c.5539A>C, p.Met1847Leu (NM_001407590.1, NM_001407591.1); c.5479A>C, p.Met1827Leu (NM_001407593.1, NM_001407594.1, NM_001407596.1 and 5 more transcripts); c.5476A>C, p.Met1826Leu (NM_001407618.1, NM_001407619.1, NM_001407620.1 and 14 more transcripts); and 83 more; short protein forms D698A, M1848L, M723L, M1780L, M1827L, D697A, M1531L, M1673L.
Identifiers: ClinVar variation 864920 (VCV000864920.3), dbSNP rs771606902, ClinGen allele CA10590366.